The following is an entry in ClinVar:

NM_006662.3(SRCAP):c.163T>G (p.Ser55Ala)

Gene: SRCAP (Snf2 related CREBBP activator protein; plus strand). Cytogenetic location: 16p11.2.
Variant type: single nucleotide variant.
Coding change: c.163T>G on transcript NM_006662.3 (MANE Select); coding-DNA position 163, T replaced by G.
Protein change: p.Ser55Ala; replaces serine 55 with alanine.
Molecular consequence: missense variant.
Genome position (GRCh38, 1-based): chr16:30,704,172, T>G. VCF-style: chr16-30704172-T-G. GRCh37 (hg19) VCF-style: chr16-30715493-T-G.
Other names: c.163T>G (NM_006662.2); short protein forms S55A.
Identifiers: ClinVar variation 1976017 (VCV001976017.6), dbSNP rs763828860, ClinGen allele CA8010596.

ClinVar aggregate classification (germline): Uncertain significance. Review status: criteria provided, multiple submitters, no conflicts (2 of 4 stars). 2 submissions from 2 submitters: Uncertain significance (2). Last evaluated 2026-01-19.

Conditions:
SRCAP-related disorder. Also called: SRCAP-related condition.

Allele frequency attached by ClinVar (database versions not stated): gnomAD 0.00001; gnomAD exomes 0.00001; ExAC 0.00002; TOPMed 0.00002.
gnomAD v4.1: 14 of 1,614,038 alleles (0.00087%); highest among the groups gnomAD compares: Non-Finnish European, 0.0011%; no homozygotes.

Submissions (2):

Labcorp Genetics (formerly Invitae), Labcorp
Classification: Uncertain significance. Last evaluated: 2026-01-19. Review status: criteria provided, single submitter. Criteria: Invitae Variant Classification Sherloc (09022015). Collection method: clinical testing. Allele origin: germline.
Comment: This sequence change replaces serine, which is neutral and polar, with alanine, which is neutral and non-polar, at codon 55 of the SRCAP protein (p.Ser55Ala). This variant is present in population databases (rs763828860, gnomAD 0.004%). This variant has not been reported in the literature in individuals affected with SRCAP-related conditions. ClinVar contains an entry for this variant (Variation ID: 1976017). Invitae Evidence Modeling of protein sequence and biophysical properties (such as structural, functional, and spatial information, amino acid conservation, physicochemical variation, residue mobility, and thermodynamic stability) indicates that this missense variant is not expected to disrupt SRCAP protein function with a negative predictive value of 80%. In summary, the available evidence is currently insufficient to determine the role of this variant in disease. Therefore, it has been classified as a Variant of Uncertain Significance.

PreventionGenetics, part of Exact Sciences
Classification: Uncertain significance for SRCAP-related condition. Last evaluated: 2025-10-27. Review status: criteria provided, single submitter. Criteria: ACMG Guidelines, 2015. Collection method: clinical testing. Allele origin: germline.
Comment: The SRCAP c.163T>G variant is predicted to result in the amino acid substitution p.Ser55Ala. To our knowledge, this variant has not been reported in the literature. This variant is reported in 0.0080% of alleles in individuals of European (Finnish) descent in gnomAD. At this time, the clinical significance of this variant is uncertain due to the absence of conclusive functional and genetic evidence.